The following is an entry in ClinVar:

NM_001292063.2(OTOG):c.8092G>A (p.Val2698Met)

Gene: OTOG (otogelin; plus strand). Cytogenetic location: 11p15.1.
Variant type: single nucleotide variant.
Coding change: c.8092G>A on transcript NM_001292063.2 (MANE Select); coding-DNA position 8092, G replaced by A.
Protein change: p.Val2698Met; replaces valine 2698 with methionine.
Molecular consequence: missense variant.
Genome position (GRCh38, 1-based): chr11:17,640,993, G>A. VCF-style: chr11-17640993-G-A. GRCh37 (hg19) VCF-style: chr11-17662540-G-A.
Other names: c.8128G>A, p.Val2710Met (NM_001277269.2); short protein forms V2698M, V2710M.
Identifiers: ClinVar variation 2179767 (VCV002179767.3), dbSNP rs1001847378, ClinGen allele CA218456027.
Genomic context (GRCh38, chr11:17,640,993, plus strand): 5'-AGCCGCGAGCTGGGTGTGATGCAGCCCGGCCAGACAGTGGTGGAGCTCTCAGCAGATGGC[G>A]TGTGCCACACCTCCCGCTGCACCACCGTGCTCGACCCTCTCACCAACTTCTACCAGATCA-3'
Protein context (NP_001278992.1, residues 2688-2708): QTVVELSADG[Val2698Met]CHTSRCTTVL

ClinVar aggregate classification (germline): Uncertain significance (1 of 4 stars; one submission).

Allele frequency attached by ClinVar (database versions not stated): gnomAD 0.00001; TOPMed 0.00001; gnomAD exomes 0.00004.
gnomAD v4.1: 51 of 1,548,404 alleles (0.0033%); highest among the groups gnomAD compares: Middle Eastern, 0.017%; no homozygotes.

Submission:

Labcorp Genetics (formerly Invitae), Labcorp
Classification: Uncertain significance. Last evaluated: 2022-01-08. Review status: criteria provided, single submitter. Criteria: Invitae Variant Classification Sherloc (09022015). Collection method: clinical testing. Allele origin: germline.
Comment: This sequence change replaces valine, which is neutral and non-polar, with methionine, which is neutral and non-polar, at codon 2710 of the OTOG protein (p.Val2710Met). The frequency data for this variant in the population databases is considered unreliable, as metrics indicate poor data quality at this position in the gnomAD database. This variant has not been reported in the literature in individuals affected with OTOG-related conditions. Algorithms developed to predict the effect of missense changes on protein structure and function are either unavailable or do not agree on the potential impact of this missense change (SIFT: "Deleterious"; PolyPhen-2: "Probably Damaging"; Align-GVGD: "Class C0"). In summary, the available evidence is currently insufficient to determine the role of this variant in disease. Therefore, it has been classified as a Variant of Uncertain Significance.